The following is an entry in ClinVar:

NM_000070.3(CAPN3):c.661G>C (p.Gly221Arg)

Gene: CAPN3 (calpain 3; plus strand). Cytogenetic location: 15q15.1.
Variant type: single nucleotide variant.
Coding change: c.661G>C on transcript NM_000070.3 (MANE Select); coding-DNA position 661, G replaced by C.
Protein change: p.Gly221Arg; replaces glycine 221 with arginine.
Molecular consequence: missense variant.
Genome position (GRCh38, 1-based): chr15:42,388,956, G>C. VCF-style: chr15-42388956-G-C. GRCh37 (hg19) VCF-style: chr15-42681154-G-C.
Other names: c.661G>C, p.Gly221Arg (NM_024344.2, NM_173087.2); short protein forms G221R.
Identifiers: ClinVar variation 4746570 (VCV004746570.1).

ClinVar aggregate classification (germline): Uncertain significance (1 of 4 stars; one submission).

Conditions:
Autosomal recessive limb-girdle muscular dystrophy type 2A (LGMDR1). Also called: Muscular dystrophy, limb-girdle, type 2A, Amish; LEYDEN-MOEBIUS MUSCULAR DYSTROPHY; MUSCULAR DYSTROPHY, PELVOFEMORAL; Limb-girdle muscular dystrophy, type 2A; Calpainopathy. Identifiers: Orphanet 267, MedGen C1869123, MONDO:0009675, OMIM 253600. Disease mechanism: loss of function.

Submission:

Labcorp Genetics (formerly Invitae), Labcorp
Classification: Uncertain significance for Autosomal recessive limb-girdle muscular dystrophy type 2A. Last evaluated: 2025-08-17. Review status: criteria provided, single submitter. Criteria: Invitae Variant Classification Sherloc (09022015). Collection method: clinical testing. Allele origin: germline.
Comment: This sequence change replaces glycine, which is neutral and non-polar, with arginine, which is basic and polar, at codon 221 of the CAPN3 protein (p.Gly221Arg). This variant is not present in population databases (gnomAD no frequency). This variant has not been reported in the literature in individuals affected with CAPN3-related conditions. Invitae Evidence Modeling of protein sequence and biophysical properties (such as structural, functional, and spatial information, amino acid conservation, physicochemical variation, residue mobility, and thermodynamic stability) indicates that this missense variant is expected to disrupt CAPN3 protein function with a positive predictive value of 80%. This variant disrupts the p.Gly221 amino acid residue in CAPN3. Other variant(s) that disrupt this residue have been determined to be pathogenic (PMID: 26484845, 29970176). This suggests that this residue is clinically significant, and that variants that disrupt this residue are likely to be disease-causing. In summary, the available evidence is currently insufficient to determine the role of this variant in disease. Therefore, it has been classified as a Variant of Uncertain Significance.

Literature cited by the submitters: PubMed 26484845; PubMed 29970176.